The following is an entry in ClinVar:

NM_000179.3(MSH6):c.1239G>T (p.Trp413Cys)

Gene: MSH6 (mutS homolog 6; plus strand). Cytogenetic location: 2p16.3.
Variant type: single nucleotide variant.
Coding change: c.1239G>T on transcript NM_000179.3 (MANE Select); coding-DNA position 1239, G replaced by T.
Protein change: p.Trp413Cys; replaces tryptophan 413 with cysteine.
Molecular consequence: missense variant.
Genome position (GRCh38, 1-based): chr2:47,799,222, G>T. VCF-style: chr2-47799222-G-T. GRCh37 (hg19) VCF-style: chr2-48026361-G-T.
Other names: c.849G>T, p.Trp283Cys (NM_001281492.2); c.333G>T, p.Trp111Cys (NM_001281493.2, NM_001281494.2); short protein forms W283C, W413C, W111C.
Identifiers: ClinVar variation 818679 (VCV000818679.7), dbSNP rs1114167736, ClinGen allele CA346743737.
Genomic context (GRCh38, chr2:47,799,222, plus strand): 5'-ATCTACACTCTATGTGCCTGAGGATTTCCTCAATTCTTGTACTCCTGGGATGAGGAAGTG[G>T]TGGCAGATTAAGTCTCAGAACTTTGATCTTGTCATCTGTTACAAGGTGGGGAAATTTTAT-3'
Protein context (NP_000170.1, residues 403-423): LNSCTPGMRK[Trp413Cys]WQIKSQNFDL

ClinVar aggregate classification (germline): Conflicting classifications of pathogenicity. Review status: criteria provided, conflicting classifications (1 of 4 stars). 3 submissions from 3 submitters: Likely pathogenic (2); Uncertain significance (1). Last evaluated 2025-07-09.

Conditions:
Hereditary cancer-predisposing syndrome. Also called: Tumor predisposition; Hereditary neoplastic syndrome; Neoplastic Syndromes, Hereditary; Hereditary Cancer Syndrome. Identifiers: Orphanet 140162, MedGen C0027672, MeSH D009386, MONDO:0015356.
Hereditary nonpolyposis colon cancer (HNPCC). Also called: Hereditary Nonpolyposis Colorectal Cancer Syndrome; Hereditary nonpolyposis colorectal cancer; Familial nonpolyposis colon cancer. Identifiers: Orphanet 443909, MedGen C1333990, MONDO:0018630. Disease mechanism: loss of function.

Submissions (3):

Women's Health and Genetics/Laboratory Corporation of America, LabCorp
Classification: Likely pathogenic for Hereditary nonpolyposis colon cancer. Last evaluated: 2025-07-09. Review status: criteria provided, single submitter. Criteria: LabCorp Variant Classification Summary - May 2015. Collection method: clinical testing. Allele origin: germline.
Comment: Variant summary: MSH6 c.1239G>T (p.Trp413Cys) results in a non-conservative amino acid change in the encoded protein sequence. Algorithms developed to predict the effect of missense changes on protein structure and function all suggest that this variant is likely to be disruptive. The variant was absent in 251334 control chromosomes. To our knowledge, no occurrence of c.1239G>T in individuals affected with Lynch Syndrome and no experimental evidence demonstrating its impact on protein function have been reported. However, a different variant with the same amino acid effect (c.1239G>C, p.Trp413Cys) has been classified as likely pathogenic/pathogenic. ClinVar contains an entry for this variant (Variation ID: 818679). Based on the evidence outlined above, the variant was classified as likely pathogenic.

GeneDx
Classification: Uncertain significance. Last evaluated: 2024-12-05. Review status: criteria provided, single submitter. Criteria: GeneDx Variant Classification Process June 2021. Collection method: clinical testing. Allele origin: germline. Affected: yes.
Comment: Not observed at significant frequency in large population cohorts (gnomAD); In silico analysis supports that this missense variant has a deleterious effect on protein structure/function; Has not been previously published as pathogenic or benign to our knowledge; This variant is associated with the following publications: (PMID: 17531815, 21120944)

Ambry Genetics
Classification: Likely pathogenic for Hereditary cancer-predisposing syndrome. Last evaluated: 2024-08-20. Review status: criteria provided, single submitter. Criteria: Ambry Variant Classification Scheme 2023. Collection method: clinical testing. Allele origin: germline.
Comment: The p.W413C variant (also known as c.1239G>T), located in coding exon 4 of the MSH6 gene, results from a G to T substitution at nucleotide position 1239. The tryptophan at codon 413 is replaced by cysteine, an amino acid with highly dissimilar properties. An alteration resulting in the same amino acid change, c.1239G>C, has been classified as likely pathogenic in multiple individuals whose Lynch syndrome-associated tumor demonstrated high microsatellite instability and/or loss of MSH6 expression by immunohistochemistry (Ambry internal data). This amino acid position is highly conserved in available vertebrate species. In addition, this alteration is predicted to be deleterious by in silico analysis. Based on internal structural analysis, p.W413C is considered deleterious (Ambry internal data). This variant is considered to be rare based on population cohorts in the Genome Aggregation Database (gnomAD). Based on the majority of available evidence to date, this variant is likely to be pathogenic.